The following is an entry in ClinVar:

ClinVar aggregate classification (germline): Likely benign (0 of 4 stars; one submission).

Conditions:
ADAMTS20-related condition.

gnomAD v4.1: 1,679 of 1,611,858 alleles (0.1%); highest among the groups gnomAD compares: Non-Finnish European, 0.12%; no homozygotes.

Submission:

PreventionGenetics, part of Exact Sciences
Classification: Likely benign for ADAMTS20-related condition. Last evaluated: 2024-08-02. Review status: no assertion criteria provided. Collection method: clinical testing. Allele origin: germline.
Comment: This variant is classified as likely benign based on ACMG/AMP sequence variant interpretation guidelines (Richards et al. 2015 PMID: 25741868, with internal and published modifications).

NM_025003.5(ADAMTS20):c.4090T>A (p.Tyr1364Asn)

Gene: ADAMTS20 (ADAM metallopeptidase with thrombospondin type 1 motif 20; minus strand). Cytogenetic location: 12q12.
Variant type: single nucleotide variant.
Coding change: c.4090T>A on transcript NM_025003.5 (MANE Select); coding-DNA position 4090, T replaced by A.
Protein change: p.Tyr1364Asn; replaces tyrosine 1364 with asparagine.
Molecular consequence: missense variant.
Genome position (GRCh38, 1-based): chr12:43,427,325, A>T on the plus strand (T>A on the coding strand, the complement: ADAMTS20 is on the minus strand). VCF-style: chr12-43427325-A-T. GRCh37 (hg19) VCF-style: chr12-43821128-A-T.
Other names: short protein forms Y1364N.
Identifiers: ClinVar variation 3350950 (VCV003350950.1).
Genomic context (GRCh38, chr12:43,427,325, plus strand): 5'-GAGATGTAATAATCTCACAAGTTTAGAAAATATTATGACTTACTTCTCCCCAATTTCCGT[A>T]GTTCCACTGTGGACAAGGCCCTGGACCACATTGCTGTAACTCTGGAGGCTTGGAGGCTGC-3'
Protein context (NP_079279.3, residues 1354-1374): CGPGPCPQWN[Tyr1364Asn]GNWGECSQTC